The following is an entry in ClinVar:

ClinVar aggregate classification (germline): Uncertain significance (1 of 4 stars; one submission).

Allele frequency attached by ClinVar (database versions not stated): gnomAD 0.00006; gnomAD exomes 0.00007; TOPMed 0.00007; 1000 Genomes Project 0.00020; ExAC 0.00023.
gnomAD v4.1: 112 of 1,601,336 alleles (0.007%); highest among the groups gnomAD compares: Admixed American, 0.051%; no homozygotes.

Submission:

GeneDx
Classification: Uncertain significance. Last evaluated: 2022-11-18. Review status: criteria provided, single submitter. Criteria: GeneDx Variant Classification Process June 2021. Collection method: clinical testing. Allele origin: germline. Affected: yes.
Comment: In silico analysis supports that this missense variant has a deleterious effect on protein structure/function; Has not been previously published as pathogenic or benign to our knowledge

NM_001797.4(CDH11):c.83G>A (p.Arg28Gln)

Gene: CDH11 (cadherin 11; minus strand). Cytogenetic location: 16q21.
Variant type: single nucleotide variant.
Coding change: c.83G>A on transcript NM_001797.4 (MANE Select); coding-DNA position 83, G replaced by A.
Protein change: p.Arg28Gln; replaces arginine 28 with glutamine.
Molecular consequence: missense variant. On other transcripts: intron variant (1).
Genome position (GRCh38, 1-based): chr16:65,004,787, C>T on the plus strand (G>A on the coding strand, the complement: CDH11 is on the minus strand). VCF-style: chr16-65004787-C-T. GRCh37 (hg19) VCF-style: chr16-65038690-C-T.
Other names: c.83G>A, p.Arg28Gln (NM_001308392.2); c.-150-5931G>A (NM_001330576.2); short protein forms R28Q.
Identifiers: ClinVar variation 2502759 (VCV002502759.1), dbSNP rs527451513, ClinGen allele CA8092478.
Genomic context (GRCh38, chr16:65,004,787, plus strand): 5'-AGCACCTGCCCCTCCTTGCCCTTCTCATGGTGCCCATGGAAGGAGGGCCGCAGGTGCCCC[C>T]GCCGCTCTGGGGCAAAGGCATGGCTGTGGCACAGCATGCCCAGGCACACCAGGGCGGCTT-3'
Protein context (NP_001788.2, residues 18-38): CHSHAFAPER[Arg28Gln]GHLRPSFHGH